The following is an entry in ClinVar:

ClinVar aggregate classification (germline): Uncertain significance. Review status: criteria provided, multiple submitters, no conflicts (2 of 4 stars). 3 submissions from 3 submitters: Uncertain significance (3). Last evaluated 2024-09-11.

Conditions:
Hypogonadotropic hypogonadism 5 with or without anosmia (KAL5). Also called: HYPOGONADOTROPIC HYPOGONADISM 5 WITH ANOSMIA; HYPOGONADOTROPHIC HYPOGONADISM 5 WITHOUT ANOSMIA; CHD7-Related GnRH Deficiency (Kallmann Syndrome 5). Identifiers: Orphanet 478, MedGen C3552553, MONDO:0012880, OMIM 612370. Disease mechanism: loss of function.
Inborn genetic diseases. Identifiers: MedGen C0950123, MeSH D030342.
CHARGE syndrome (CHARGE). Also called: CHARGE ASSOCIATION--COLOBOMA, HEART ANOMALY, CHOANAL ATRESIA, RETARDATION, GENITAL AND EAR ANOMALIES; Coloboma, heart anomaly, choanal atresia, retardation, genital and ear anomalies; CHARGE association; Hall-Hittner syndrome; Hittner Hirsch Kreh syndrome. Identifiers: Orphanet 138, MedGen C0265354, MONDO:0008965.

Allele frequency attached by ClinVar (database versions not stated): gnomAD 0.00001; gnomAD exomes 0.00001; ExAC 0.00003.
gnomAD v4.1: 10 of 1,613,906 alleles (0.00062%); highest among the groups gnomAD compares: Non-Finnish European, 0.00085%; no homozygotes.

Submissions (3):

Ambry Genetics
Classification: Uncertain significance for Inborn genetic diseases. Last evaluated: 2024-09-11. Review status: criteria provided, single submitter. Criteria: Ambry Variant Classification Scheme 2023. Collection method: clinical testing. Allele origin: germline.
Comment: The p.Y1920C variant (also known as c.5759A>G), located in coding exon 28 of the CHD7 gene, results from an A to G substitution at nucleotide position 5759. The tyrosine at codon 1920 is replaced by cysteine, an amino acid with highly dissimilar properties. This amino acid position is conserved. In addition, this alteration is predicted to be deleterious by in silico analysis. Based on the available evidence, the clinical significance of this variant remains unclear.

Labcorp Genetics (formerly Invitae), Labcorp
Classification: Uncertain significance for CHARGE syndrome. Last evaluated: 2022-11-15. Review status: criteria provided, single submitter. Criteria: Invitae Variant Classification Sherloc (09022015). Collection method: clinical testing. Allele origin: germline.
Comment: This variant has not been reported in the literature in individuals affected with CHD7-related conditions. In summary, the available evidence is currently insufficient to determine the role of this variant in disease. Therefore, it has been classified as a Variant of Uncertain Significance. Advanced modeling of protein sequence and biophysical properties (such as structural, functional, and spatial information, amino acid conservation, physicochemical variation, residue mobility, and thermodynamic stability) has been performed at Invitae for this missense variant, however the output from this modeling did not meet the statistical confidence thresholds required to predict the impact of this variant on CHD7 protein function. ClinVar contains an entry for this variant (Variation ID: 363469). This variant is present in population databases (rs768950252, gnomAD 0.003%). This sequence change replaces tyrosine, which is neutral and polar, with cysteine, which is neutral and slightly polar, at codon 1920 of the CHD7 protein (p.Tyr1920Cys).

Illumina Laboratory Services, Illumina
Classification: Uncertain significance for Kallmann Syndrome 5. Last evaluated: 2018-01-13. Review status: criteria provided, single submitter. Criteria: ICSL Variant Classification Criteria 13 December 2019. Collection method: clinical testing. Allele origin: germline.

NM_017780.4(CHD7):c.5759A>G (p.Tyr1920Cys)

Gene: CHD7 (chromodomain helicase DNA binding protein 7; plus strand). Cytogenetic location: 8q12.2.
Variant type: single nucleotide variant.
Coding change: c.5759A>G on transcript NM_017780.4 (MANE Select); coding-DNA position 5759, A replaced by G.
Protein change: p.Tyr1920Cys; replaces tyrosine 1920 with cysteine.
Molecular consequence: missense variant. On other transcripts: intron variant (1).
Genome position (GRCh38, 1-based): chr8:60,852,112, A>G. VCF-style: chr8-60852112-A-G. GRCh37 (hg19) VCF-style: chr8-61764671-A-G.
Other names: c.1717-10117A>G (NM_001316690.1); short protein forms Y1920C.
Identifiers: ClinVar variation 363469 (VCV000363469.9), dbSNP rs768950252, ClinGen allele CA4760455.